The following is an entry in ClinVar:

ClinVar aggregate classification (germline): Likely pathogenic (1 of 4 stars; one submission).

Conditions:
Hearing loss, autosomal recessive 111. Also called: DEAFNESS, AUTOSOMAL RECESSIVE 111. Identifiers: MedGen C4748374, MONDO:0029142, OMIM 618145.

Submission:

Juno Genomics, Hangzhou Juno Genomics, Inc
Classification: Likely pathogenic for Hearing loss, autosomal recessive 111. Review status: criteria provided, single submitter. Criteria: ACMG Guidelines, 2015. Collection method: clinical testing. Allele origin: germline.
Comment: Null variant in a gene where loss of function (LOF) is a known mechanism of disease.;Absent from controls (or at extremely low frequency if recessive) in Genome Aggregation Database.

NM_005797.4(MPZL2):c.212del (p.Gly71fs)

Gene: MPZL2 (myelin protein zero like 2; minus strand). Cytogenetic location: 11q23.3.
Variant type: Deletion.
Coding change: c.212del on transcript NM_005797.4 (MANE Select); coding-DNA position 212, one base deleted (G; older notation c.212delG).
Protein change: p.Gly71fs; shifts the reading frame from glycine 71.
Molecular consequence: frameshift variant.
Genome position (GRCh38, 1-based): chr11:118,262,944, C deleted on the plus strand (G on the coding strand, the reverse complement: MPZL2 is on the minus strand); the first of 5 consecutive C bases (chr11:118,262,944-118,262,948); deleting any one gives the same sequence. VCF-style (leftmost placement, unchanged base first): chr11-118262943-TC-T. GRCh37 (hg19) VCF-style: chr11-118133658-TC-T.
Other names: c.212del, p.Gly71fs (NM_144765.3); short protein forms G71fs.
Identifiers: ClinVar variation 5007786 (VCV005007786.2).
Genomic context (GRCh38, chr11:118,262,943, plus strand): 5'-TATTTCCCTAAACAAGAGTACCCTGGAAAATGATGATAATCTACTTACAAACTGCTCAGG[TC>T]CCCCGTCTAGAGGACGAAAATTCCAGGTCACTGTTAGAGCATCACCCACAGGGGCAAAGC-3'